The following is an entry in ClinVar:

NM_004999.4(MYO6):c.1212A>G (p.Gly404=)

Gene: MYO6 (myosin VI; plus strand). Cytogenetic location: 6q14.1.
Variant type: single nucleotide variant.
Coding change: c.1212A>G on transcript NM_004999.4 (MANE Select); coding-DNA position 1212, A replaced by G.
Protein change: p.Gly404=; no amino-acid change (glycine 404 retained).
Molecular consequence: synonymous variant. On other transcripts: non-coding transcript variant (1).
Genome position (GRCh38, 1-based): chr6:75,855,272, A>G. VCF-style: chr6-75855272-A-G. GRCh37 (hg19) VCF-style: chr6-76564989-A-G.
Other names: c.1212A>G, p.Gly404= (NM_001300899.2, NM_001368136.1, NM_001368137.1 and 2 more transcripts); c.1197A>G, p.Gly399= (NM_001368138.1).
Identifiers: ClinVar variation 45135 (VCV000045135.5), dbSNP rs397517044, ClinGen allele CA135595.

ClinVar aggregate classification (germline): Likely benign (1 of 4 stars; one submission).

Allele frequency attached by ClinVar (database versions not stated): gnomAD 0.00001.
gnomAD v4.1: 2 of 1,613,368 alleles (0.00012%); highest among the groups gnomAD compares: African/African-American, 0.0027%; no homozygotes.

Submission:

Laboratory for Molecular Medicine, Mass General Brigham Personalized Medicine
Classification: Likely benign. Last evaluated: 2012-12-20. Review status: criteria provided, single submitter. Criteria: LMM Criteria. Collection method: clinical testing. Allele origin: germline. Observed: 1 variant allele.
Comment: Gly404Gly in exon 12 of MYO6: This variant is not expected to have clinical sign ificance because it does not alter an amino acid residue and is not located with in the splice consensus sequence.